The following is an entry in ClinVar:

NM_000170.3(GLDC):c.1651A>T (p.Ser551Cys)

Gene: GLDC (glycine decarboxylase; minus strand). Cytogenetic location: 9p24.1.
Variant type: single nucleotide variant.
Coding change: c.1651A>T on transcript NM_000170.3 (MANE Select); coding-DNA position 1651, A replaced by T.
Protein change: p.Ser551Cys; replaces serine 551 with cysteine.
Molecular consequence: missense variant.
Genome position (GRCh38, 1-based): chr9:6,588,632, T>A on the plus strand (A>T on the coding strand, the complement: GLDC is on the minus strand). VCF-style: chr9-6588632-T-A. GRCh37 (hg19) VCF-style: chr9-6588632-T-A.
Other names: short protein forms S551C.
Identifiers: ClinVar variation 4536646 (VCV004536646.1).

ClinVar aggregate classification (germline): Uncertain significance (1 of 4 stars; one submission).

gnomAD v4.1: 2 of 1,610,418 alleles (0.00012%); highest among the groups gnomAD compares: Non-Finnish European, 0.00017%; no homozygotes.

Submission:

Women's Health and Genetics/Laboratory Corporation of America, LabCorp
Classification: Uncertain significance. Last evaluated: 2025-11-17. Review status: criteria provided, single submitter. Criteria: LabCorp Variant Classification Summary - May 2015. Collection method: clinical testing. Allele origin: germline.
Comment: Variant summary: GLDC c.1651A>T (p.Ser551Cys) results in a non-conservative amino acid change in the encoded protein sequence. Algorithms developed to predict the effect of missense changes on protein structure and function all suggest that this variant is likely to be disruptive. The variant was absent in 250804 control chromosomes. The available data on variant occurrences in the general population are insufficient to allow any conclusion about variant significance. To our knowledge, no occurrence of c.1651A>T in individuals affected with GLDC-related conditions and no experimental evidence demonstrating its impact on protein function have been reported. No submitters have cited clinical-significance assessments for this variant to ClinVar. Other variants impact this codon (p.Ser551Asn, p.Ser551Ile) have been reported to associate with disease. Based on the evidence outlined above, the variant was classified as VUS-possibly pathogenic.